The following is an entry in ClinVar:

ClinVar aggregate classification (germline): Uncertain significance (1 of 4 stars; one submission).

Submission:

Labcorp Genetics (formerly Invitae), Labcorp
Classification: Uncertain significance. Last evaluated: 2024-09-14. Review status: criteria provided, single submitter. Criteria: Invitae Variant Classification Sherloc (09022015). Collection method: clinical testing. Allele origin: germline.
Comment: This sequence change replaces leucine, which is neutral and non-polar, with phenylalanine, which is neutral and non-polar, at codon 794 of the ST14 protein (p.Leu794Phe). This variant is not present in population databases (gnomAD no frequency). This variant has not been reported in the literature in individuals affected with ST14-related conditions. Invitae Evidence Modeling of protein sequence and biophysical properties (such as structural, functional, and spatial information, amino acid conservation, physicochemical variation, residue mobility, and thermodynamic stability) indicates that this missense variant is expected to disrupt ST14 protein function with a positive predictive value of 80%. In summary, the available evidence is currently insufficient to determine the role of this variant in disease. Therefore, it has been classified as a Variant of Uncertain Significance.

NM_021978.4(ST14):c.2380C>T (p.Leu794Phe)

Gene: ST14 (ST14 transmembrane serine protease matriptase; plus strand). Cytogenetic location: 11q24.3.
Variant type: single nucleotide variant.
Coding change: c.2380C>T on transcript NM_021978.4 (MANE Select); coding-DNA position 2380, C replaced by T.
Protein change: p.Leu794Phe; replaces leucine 794 with phenylalanine.
Molecular consequence: missense variant.
Genome position (GRCh38, 1-based): chr11:130,209,552, C>T. VCF-style: chr11-130209552-C-T. GRCh37 (hg19) VCF-style: chr11-130079447-C-T.
Other names: short protein forms L794F.
Identifiers: ClinVar variation 3683883 (VCV003683883.2).